The following is an entry in ClinVar:

NM_001048174.2(MUTYH):c.863A>G (p.Gln288Arg)

Gene: MUTYH (mutY DNA glycosylase; minus strand). Cytogenetic location: 1p34.1.
Variant type: single nucleotide variant.
Coding change: c.863A>G on transcript NM_001048174.2 (MANE Select); coding-DNA position 863, A replaced by G.
Protein change: p.Gln288Arg; replaces glutamine 288 with arginine.
Molecular consequence: missense variant. On other transcripts: non-coding transcript variant (7).
Genome position (GRCh38, 1-based): chr1:45,332,073, T>C on the plus strand (A>G on the coding strand, the complement: MUTYH is on the minus strand). VCF-style: chr1-45332073-T-C. GRCh37 (hg19) VCF-style: chr1-45797745-T-C.
Other names: c.908A>G, p.Gln303Arg (NM_001293190.2); c.896A>G, p.Gln299Arg (NM_001293191.2, NM_001407069.1, NM_001407077.1); c.587A>G, p.Gln196Arg (NM_001293192.2, NM_001293196.2, NM_001407091.1); c.863A>G, p.Gln288Arg (NM_001293195.2, NM_001407070.1, NM_001407088.1 and 6 more transcripts); c.518A>G, p.Gln173Arg (NM_001350650.2, NM_001350651.2, NM_001407082.1); c.905A>G, p.Gln302Arg (NM_001407083.1, NM_001407085.1); c.866A>G, p.Gln289Arg (NM_001407086.1, NM_001048172.2, NM_001407071.1 and 1 more transcripts); c.884A>G, p.Gln295Arg (NM_001407087.1); and 5 more; short protein forms Q196R, Q275R, Q295R, Q299R, Q302R, Q316R, Q274R, Q289R.
Identifiers: ClinVar variation 4112871 (VCV004112871.1).
Genomic context (GRCh38, chr1:45,332,073, plus strand): 5'-TGGTGCTCACCACACTCCTCCACGTCAGGACTGCCCGACAGGCTCCCTGAGGCTAAGAGC[T>C]GTTCCTGCTCCACCTGAGAGGCACAGGGTTGAGTGTCATAGGGCAGAGTCACTCCTTAGG-3'
Protein context (NP_001041639.1, residues 278-298): CRARQRVEQE[Gln288Arg]LLASGSLSGS

ClinVar aggregate classification (germline): Uncertain significance (1 of 4 stars; one submission).

Conditions:
Hereditary cancer-predisposing syndrome. Also called: Tumor predisposition; Neoplastic Syndromes, Hereditary; Hereditary neoplastic syndrome; Hereditary Cancer Syndrome. Identifiers: Orphanet 140162, MedGen C0027672, MeSH D009386, MONDO:0015356.

Submission:

Ambry Genetics
Classification: Uncertain significance for Hereditary cancer-predisposing syndrome. Last evaluated: 2025-08-27. Review status: criteria provided, single submitter. Criteria: Ambry Variant Classification Scheme 2023. Collection method: clinical testing. Allele origin: germline.
Comment: The p.Q316R variant (also known as c.947A>G), located in coding exon 11 of the MUTYH gene, results from an A to G substitution at nucleotide position 947. The glutamine at codon 316 is replaced by arginine, an amino acid with highly similar properties. This amino acid position is conserved. In addition, this alteration is predicted to be tolerated by in silico analysis. Based on the available evidence, the clinical significance of this variant remains unclear.